The following is an entry in ClinVar:

ClinVar aggregate classification (germline): Uncertain significance (1 of 4 stars; one submission).

Submission:

Women's Health and Genetics/Laboratory Corporation of America, LabCorp
Classification: Uncertain significance. Last evaluated: 2026-03-26. Review status: criteria provided, single submitter. Criteria: LabCorp Variant Classification Summary - May 2015. Collection method: clinical testing. Allele origin: germline.
Comment: Variant summary: TCIRG1 c.503+5G>C alters a nucleotide located close to a canonical splice site and therefore could affect mRNA splicing, leading to a significantly altered protein sequence. Several computational tools predict a significant impact on normal splicing: Three predict the variant weakens a 5' donor site. One predict the variant no significant impact on splicing. However, these predictions have yet to be confirmed by functional studies. The variant was absent in 153732 control chromosomes. The available data on variant occurrences in the general population are insufficient to allow any conclusion about variant significance. To our knowledge, no occurrence of c.503+5G>C in individuals affected with TCIRG1-related conditions and no experimental evidence demonstrating its impact on protein function have been reported. No submitters have cited clinical-significance assessments for this variant to ClinVar. c.503+5G>A has been reported to associated with disease. Based on the evidence outlined above, the variant was classified as uncertain significance.

NM_006019.4(TCIRG1):c.503+5G>C

Gene: TCIRG1 (T cell immune regulator 1, ATPase H+ transporting V0 subunit a3; plus strand). Cytogenetic location: 11q13.2.
Variant type: single nucleotide variant.
Coding change: c.503+5G>C on transcript NM_006019.4 (MANE Select); 5 bases into the intron after coding-DNA position 503, G replaced by C.
Molecular consequence: intron variant. On other transcripts: 5 prime UTR variant (2).
Genome position (GRCh38, 1-based): chr11:68,043,036, G>C. VCF-style: chr11-68043036-G-C. GRCh37 (hg19) VCF-style: chr11-67810503-G-C.
Other names: c.-742G>C (NM_001351059.2); c.-480G>C (NM_006053.4); c.503+5G>C (NM_001440552.1, NM_001440557.1, NM_001440559.1 and 5 more transcripts); c.417+173G>C (NM_001440561.1, NM_001440566.1, NM_001440562.1 and 1 more transcripts); c.461+5G>C (NM_001440555.1, NM_001440556.1, NM_001440563.1); c.203+5G>C (NM_001440565.1); c.375+173G>C (NM_001440564.1, NM_001440568.1).
Identifiers: ClinVar variation 4847662 (VCV004847662.1).
Genomic context (GRCh38, chr11:68,043,036, plus strand): 5'-GAGAGGACGCCCCTGCTCCAGGCCCCCGGGGGGCCGCACCAGGACCTGAGGGTCAAGTGA[G>C]TGAGGGATGACCTCATGCCCTTTCTGGCCAGCCCAGAACCCCTGGCCAGTCGCTGGGCTG-3'